The following is an entry in ClinVar:

ClinVar aggregate classification (germline): Uncertain significance. Review status: criteria provided, multiple submitters, no conflicts (2 of 4 stars). 2 submissions from 2 submitters: Uncertain significance (2). Last evaluated 2024-09-12.

Conditions:
Hereditary nonpolyposis colorectal neoplasms. Identifiers: MedGen C0009405, MeSH D003123.
Hereditary cancer-predisposing syndrome. Also called: Hereditary Cancer Syndrome; Tumor predisposition; Hereditary neoplastic syndrome; Neoplastic Syndromes, Hereditary. Identifiers: Orphanet 140162, MedGen C0027672, MeSH D009386, MONDO:0015356.

Submissions (2):

Labcorp Genetics (formerly Invitae), Labcorp
Classification: Uncertain significance for Hereditary nonpolyposis colorectal neoplasms. Last evaluated: 2024-09-12. Review status: criteria provided, single submitter. Criteria: Invitae Variant Classification Sherloc (09022015). Collection method: clinical testing. Allele origin: germline.
Comment: This sequence change replaces valine, which is neutral and non-polar, with methionine, which is neutral and non-polar, at codon 558 of the MSH6 protein (p.Val558Met). This variant is not present in population databases (gnomAD no frequency). This variant has not been reported in the literature in individuals affected with MSH6-related conditions. Invitae Evidence Modeling of protein sequence and biophysical properties (such as structural, functional, and spatial information, amino acid conservation, physicochemical variation, residue mobility, and thermodynamic stability) has been performed for this missense variant. However, the output from this modeling did not meet the statistical confidence thresholds required to predict the impact of this variant on MSH6 protein function. In summary, the available evidence is currently insufficient to determine the role of this variant in disease. Therefore, it has been classified as a Variant of Uncertain Significance.

Ambry Genetics
Classification: Uncertain significance for Hereditary cancer-predisposing syndrome. Last evaluated: 2024-08-20. Review status: criteria provided, single submitter. Criteria: Ambry Variant Classification Scheme 2023. Collection method: clinical testing. Allele origin: germline.
Comment: The p.V558M variant (also known as c.1672G>A), located in coding exon 4 of the MSH6 gene, results from a G to A substitution at nucleotide position 1672. The valine at codon 558 is replaced by methionine, an amino acid with highly similar properties. This amino acid position is conserved. In addition, this alteration is predicted to be deleterious by in silico analysis. Based on the available evidence, the clinical significance of this variant remains unclear.

NM_000179.3(MSH6):c.1672G>A (p.Val558Met)

Gene: MSH6 (mutS homolog 6; plus strand). Cytogenetic location: 2p16.3.
Variant type: single nucleotide variant.
Coding change: c.1672G>A on transcript NM_000179.3 (MANE Select); coding-DNA position 1672, G replaced by A.
Protein change: p.Val558Met; replaces valine 558 with methionine.
Molecular consequence: missense variant. On other transcripts: non-coding transcript variant (4), intron variant (2).
Genome position (GRCh38, 1-based): chr2:47,799,655, G>A. VCF-style: chr2-47799655-G-A. GRCh37 (hg19) VCF-style: chr2-48026794-G-A.
Other names: c.1282G>A, p.Val428Met (NM_001281492.2); c.766G>A, p.Val256Met (NM_001281493.2, NM_001281494.2, NM_001406811.1 and 6 more transcripts); c.1768G>A, p.Val590Met (NM_001406795.1, NM_001406802.1); c.1672G>A, p.Val558Met (NM_001406796.1, NM_001406798.1, NM_001406800.1 and 3 more transcripts); c.1375G>A, p.Val459Met (NM_001406797.1, NM_001406801.1, NM_001406805.1 and 10 more transcripts); c.1147G>A, p.Val383Met (NM_001406799.1, NM_001406806.1, NM_001406807.1); c.1594G>A, p.Val532Met (NM_001406804.1); c.1678G>A, p.Val560Met (NM_001406813.1); and 3 more; short protein forms V383M, V502M, V532M, V459M, V590M, V256M, V428M, V558M.
Identifiers: ClinVar variation 3398900 (VCV003398900.3).